The following is an entry in ClinVar:

NM_014363.6(SACS):c.8795G>A (p.Arg2932Gln)

Gene: SACS (sacsin molecular chaperone; minus strand). Cytogenetic location: 13q12.12.
Variant type: single nucleotide variant.
Coding change: c.8795G>A on transcript NM_014363.6 (MANE Select); coding-DNA position 8795, G replaced by A.
Protein change: p.Arg2932Gln; replaces arginine 2932 with glutamine.
Molecular consequence: missense variant.
Genome position (GRCh38, 1-based): chr13:23,335,081, C>T on the plus strand (G>A on the coding strand, the complement: SACS is on the minus strand). VCF-style: chr13-23335081-C-T. GRCh37 (hg19) VCF-style: chr13-23909220-C-T.
Other names: c.8354G>A, p.Arg2785Gln (NM_001278055.2); c.8795G>A (NM_014363.4); short protein forms R2932Q, R2785Q.
Identifiers: ClinVar variation 2039616 (VCV002039616.6), dbSNP rs770769237, ClinGen allele CA6910717.

ClinVar aggregate classification (germline): Conflicting classifications of pathogenicity. Review status: criteria provided, conflicting classifications (1 of 4 stars). 3 submissions from 3 submitters: Uncertain significance (2); Likely benign (1). Last evaluated 2023-10-02.

Conditions:
Inborn genetic diseases. Identifiers: MedGen C0950123, MeSH D030342.
Spastic paraplegia. Identifiers: MedGen C0037772, HP:0001258.

Allele frequency attached by ClinVar (database versions not stated): ExAC 0.00001; gnomAD 0.00001; TOPMed 0.00002; gnomAD exomes below 0.00001.

Submissions (3):

Ambry Genetics
Classification: Uncertain significance for Inborn genetic diseases. Last evaluated: 2023-10-02. Review status: criteria provided, single submitter. Criteria: Ambry Variant Classification Scheme 2023. Collection method: clinical testing. Allele origin: germline.

Labcorp Genetics (formerly Invitae), Labcorp
Classification: Likely benign for Spastic paraplegia. Last evaluated: 2023-09-21. Review status: criteria provided, single submitter. Criteria: Invitae Variant Classification Sherloc (09022015). Collection method: clinical testing. Allele origin: germline.

Athena Diagnostics
Classification: Uncertain significance. Last evaluated: 2023-08-01. Review status: criteria provided, single submitter. Criteria: Athena Diagnostics Criteria. Collection method: clinical testing. Allele origin: unknown.
Comment: Available data are insufficient to determine the clinical significance of the variant at this time. The frequency of this variant in the general population is uninformative in assessment of its pathogenicity. Computational tools predict that this variant is damaging.